The following is an entry in ClinVar:

NM_001903.5(CTNNA1):c.1161G>C (p.Met387Ile)

Gene: CTNNA1 (catenin alpha 1; plus strand). Cytogenetic location: 5q31.2.
Variant type: single nucleotide variant.
Coding change: c.1161G>C on transcript NM_001903.5 (MANE Select); coding-DNA position 1161, G replaced by C.
Protein change: p.Met387Ile; replaces methionine 387 with isoleucine.
Molecular consequence: missense variant. On other transcripts: 5 prime UTR variant (5), intron variant (2).
Genome position (GRCh38, 1-based): chr5:138,887,507, G>C. VCF-style: chr5-138887507-G-C. GRCh37 (hg19) VCF-style: chr5-138223196-G-C.
Other names: c.1161G>C, p.Met387Ile (NM_001290307.3, NM_001323982.2, NM_001323983.1 and 3 more transcripts); c.852G>C, p.Met284Ile (NM_001290309.3); c.792G>C, p.Met264Ile (NM_001290310.3); c.51G>C, p.Met17Ile (NM_001290312.1, NM_001323987.1, NM_001323988.1 and 18 more transcripts); c.-347G>C (NM_001324006.1, NM_001324007.1, NM_001324008.1 and 1 more transcripts); c.-222G>C (NM_001324013.1); c.-58+11910G>C (NM_001324012.1); c.-61+11910G>C (NM_001324010.1); short protein forms M17I, M264I, M284I, M387I.
Identifiers: ClinVar variation 3368783 (VCV003368783.1).

ClinVar aggregate classification (germline): Uncertain significance (1 of 4 stars; one submission).

Submission:

GeneDx
Classification: Uncertain significance. Last evaluated: 2024-02-02. Review status: criteria provided, single submitter. Criteria: GeneDx Variant Classification Process June 2021. Collection method: clinical testing. Allele origin: germline. Affected: yes.
Comment: Not observed at significant frequency in large population cohorts (gnomAD); In silico analysis supports that this missense variant has a deleterious effect on protein structure/function; Has not been previously published as pathogenic or benign to our knowledge